The following is an entry in ClinVar:

ClinVar aggregate classification (germline): Pathogenic (1 of 4 stars; one submission).

Submission:

Labcorp Genetics (formerly Invitae), Labcorp
Classification: Pathogenic. Last evaluated: 2022-02-10. Review status: criteria provided, single submitter. Criteria: Invitae Variant Classification Sherloc (09022015). Collection method: clinical testing. Allele origin: germline.
Comment: For these reasons, this variant has been classified as Pathogenic. This variant has not been reported in the literature in individuals affected with UNC80-related conditions. This variant is not present in population databases (gnomAD no frequency). This sequence change creates a premature translational stop signal (p.Gln1760*) in the UNC80 gene. It is expected to result in an absent or disrupted protein product. Loss-of-function variants in UNC80 are known to be pathogenic (PMID: 26545877, 26708751, 26708753).

Literature cited by the submitters: PubMed 26545877; PubMed 26708751; PubMed 26708753.

NM_001371986.1(UNC80):c.5476C>T (p.Gln1826Ter)

Gene: UNC80 (unc-80 subunit of NALCN channel complex; plus strand). Cytogenetic location: 2q34.
Variant type: single nucleotide variant.
Coding change: c.5476C>T on transcript NM_001371986.1 (MANE Select); coding-DNA position 5476, C replaced by T.
Protein change: p.Gln1826Ter; replaces glutamine 1826 with a stop codon.
Molecular consequence: nonsense.
Genome position (GRCh38, 1-based): chr2:209,921,632, C>T. VCF-style: chr2-209921632-C-T. GRCh37 (hg19) VCF-style: chr2-210786356-C-T.
Other names: c.5278C>T, p.Gln1760Ter (NM_032504.2); c.5263C>T, p.Gln1755Ter (NM_182587.4); short protein forms Q1826*, Q1755*, Q1760*.
Identifiers: ClinVar variation 1454189 (VCV001454189.6), dbSNP rs2124953130, ClinGen allele CA350762209.